The following is an entry in ClinVar:

NM_024899.4(CEP76):c.903_904del (p.His301fs)

Genes: CEP76 (centrosomal protein 76; minus strand), PSMG2 (proteasome assembly chaperone 2; plus strand). Cytogenetic location: 18p11.21.
Variant type: Microsatellite.
Coding change: c.903_904del on transcript NM_024899.4 (MANE Select); coding-DNA positions 903 to 904, 2 bases deleted (CA; older notation c.903_904delCA).
Protein change: p.His301fs; shifts the reading frame from histidine 301.
Molecular consequence: frameshift variant. On other transcripts: non-coding transcript variant (1), intron variant (1).
Genome position (GRCh38, 1-based): chr18:12,691,388-12,691,389, TG deleted on the plus strand (CA on the coding strand, the reverse complement: CEP76 is on the minus strand); deleting any 2 consecutive bases within chr18:12,691,388-12,691,393 gives the same sequence; the c. name uses the placement nearest the transcript's 3' end. VCF-style (leftmost placement, unchanged base first): chr18-12691387-TTG-T. GRCh37 (hg19) VCF-style: chr18-12691386-TTG-T.
Other names: c.678_679del, p.His226fs (NM_001271989.2); c.-36-15162TG[2] (NM_147163.2); short protein forms H226fs, H301fs.
Identifiers: ClinVar variation 4075829 (VCV004075829.1).
Genomic context (GRCh38, chr18:12,691,387, plus strand): 5'-GGCATAAAATTATTCTAATATAATTTACAAACCTGTGCAAAAATCTTAACCAGTCGTGAG[TTG>T]TGTGAGGGTCGAATTTGCAAATATTCTCTCCACCACTGCTTAGCATATACAAGAAATAAT-3'

ClinVar aggregate classification (germline): Likely pathogenic (1 of 4 stars; one submission).

Conditions:
Joubert syndrome 1 (JBTS1). Also called: CEREBELLOPARENCHYMAL DISORDER IV; Cerebellooculorenal syndrome 1. Identifiers: MedGen C4551568, MONDO:0008944, OMIM 213300.

Submission:

Advanced Center For Translational And Genetic Medicine, Ann & Robert H. Lurie Children's Hospital Of Chicago
Classification: Likely pathogenic for Joubert syndrome 1. Last evaluated: 2024-07-29. Review status: criteria provided, single submitter. Criteria: ACMG Guidelines, 2015. Collection method: research, in vitro. Allele origin: maternal, not applicable. Affected: yes. Observed: 1 compound heterozygote. Functional consequence: NMD_triggering_variant.
Comment: Null (frameshift) variant in a gene where (LOF) is a known mechanism of disease (PVS1), absent from gnomAD v4.1.0 (PM2), Multiple computational tools support deleterious effect, CADD=34 and Mutation Taster predicts Disease Causing (PP3)